The following is an entry in ClinVar:

ClinVar aggregate classification (germline): Uncertain significance. Review status: criteria provided, multiple submitters, no conflicts (2 of 4 stars). 3 submissions from 3 submitters: Uncertain significance (3). Last evaluated 2024-02-02.

Conditions:
Rotor syndrome (HBLRR). Also called: HYPERBILIRUBINEMIA, ROTOR TYPE, DIGENIC; HYPERBILIRUBINEMIA, ROTOR TYPE. Identifiers: Orphanet 3111, MedGen C0220991, MONDO:0009379, OMIM 237450.

Allele frequency attached by ClinVar (database versions not stated): gnomAD 0.00017 and 0.00018; gnomAD exomes 0.00017 and 0.00038; ESP Exome Variant Server 0.00023; ExAC 0.00025; TOPMed 0.00026.
gnomAD v4.1: 293 of 1,607,152 alleles (0.018%); highest among the groups gnomAD compares: Middle Eastern, 0.2%; 2 homozygotes.

Submissions (3):

ARUP Laboratories, Molecular Genetics and Genomics, ARUP Laboratories
Classification: Uncertain significance for Rotor syndrome. Last evaluated: 2024-02-02. Review status: criteria provided, single submitter. Criteria: ARUP Molecular Germline Variant Investigation Process 2024. Collection method: clinical testing. Allele origin: germline.

Illumina Laboratory Services, Illumina
Classification: Uncertain significance for Rotor syndrome. Last evaluated: 2017-04-27. Review status: criteria provided, single submitter. Criteria: ICSL Variant Classification Criteria 13 December 2019. Collection method: clinical testing. Allele origin: germline.
Comment: This variant was observed as part of a predisposition screen in an ostensibly healthy population. A literature search was performed for the gene, cDNA change, and amino acid change (where applicable). Publications were found based on this search. However, the evidence from the literature, in combination with allele frequency data from public databases where available, was not sufficient to rule this variant in or out of causing disease. Therefore, this variant is classified as a variant of unknown significance.

Breakthrough Genomics
Classification: Uncertain significance. Review status: criteria provided, single submitter. Criteria: ACMG Guidelines, 2015. Collection method: not provided. Allele origin: germline. Inheritance: Autosomal recessive inheritance. Affected: yes.

Literature cited by the submitters: PubMed 23652407 (cited by Illumina Laboratory Services, Illumina).

NM_006446.5(SLCO1B1):c.1034C>T (p.Thr345Met)

Gene: SLCO1B1 (solute carrier organic anion transporter family member 1B1; plus strand). Cytogenetic location: 12p12.1.
Variant type: single nucleotide variant.
Coding change: c.1034C>T on transcript NM_006446.5 (MANE Select); coding-DNA position 1034, C replaced by T.
Protein change: p.Thr345Met; replaces threonine 345 with methionine.
Molecular consequence: missense variant.
Genome position (GRCh38, 1-based): chr12:21,200,571, C>T. VCF-style: chr12-21200571-C-T. GRCh37 (hg19) VCF-style: chr12-21353505-C-T.
Other names: short protein forms T345M.
Identifiers: ClinVar variation 882041 (VCV000882041.6), dbSNP rs61760243, ClinGen allele CA6476897.